The following is an entry in ClinVar:

ClinVar aggregate classification (germline): Likely benign. Review status: criteria provided, multiple submitters, no conflicts (2 of 4 stars). 2 submissions from 2 submitters: Likely benign (2). Last evaluated 2023-12-01.

Conditions:
Muscular dystrophy-dystroglycanopathy (congenital with brain and eye anomalies), type A9. Also called: Muscular dystrophy-dystroglycanopathy (congenital with brain and eye anomalies), type a, 9; WALKER-WARBURG SYNDROME OR MUSCLE-EYE BRAIN DISEASE, DAG1-RELATED. Identifiers: Orphanet 370997, Orphanet 899, MedGen C4225291, MONDO:0014683, OMIM 616538.
Autosomal recessive limb-girdle muscular dystrophy type 2P. Also called: MUSCULAR DYSTROPHY-DYSTROGLYCANOPATHY, LIMB-GIRDLE, DAG1-RELATED; Limb-Girdle Muscular Dystrophy Type 9C; MUSCULAR DYSTROPHY, LIMB-GIRDLE, TYPE 2P. Identifiers: Orphanet 280333, MedGen C4511963, MONDO:0013440, OMIM 613818.

Allele frequency attached by ClinVar (database versions not stated): gnomAD 0.00001; TOPMed 0.00001; ExAC 0.00002; gnomAD exomes 0.00002 and 0.00003; ESP Exome Variant Server 0.00008.
gnomAD v4.1: 46 of 1,613,874 alleles (0.0029%); highest among the groups gnomAD compares: Non-Finnish European, 0.0037%; no homozygotes.

Submissions (2):

CeGaT Center for Human Genetics Tuebingen
Classification: Likely benign. Last evaluated: 2023-12-01. Review status: criteria provided, single submitter. Criteria: CeGaT Center For Human Genetics Tuebingen Variant Classification Criteria Version 2. Collection method: clinical testing. Allele origin: germline. Affected: yes. Observed: 1 variant allele.
Comment: DAG1: BP4, BP7

Labcorp Genetics (formerly Invitae), Labcorp
Classification: Likely benign for Autosomal recessive limb-girdle muscular dystrophy type 2P; Muscular dystrophy-dystroglycanopathy (congenital with brain and eye anomalies), type A9. Last evaluated: 2023-10-05. Review status: criteria provided, single submitter. Criteria: Invitae Variant Classification Sherloc (09022015). Collection method: clinical testing. Allele origin: germline.

NM_004393.6(DAG1):c.1230T>C (p.Tyr410=)

Gene: DAG1 (dystroglycan 1; plus strand). Cytogenetic location: 3p21.31.
Variant type: single nucleotide variant.
Coding change: c.1230T>C on transcript NM_004393.6 (MANE Select); coding-DNA position 1230, T replaced by C.
Protein change: p.Tyr410=; no amino-acid change (tyrosine 410 retained).
Molecular consequence: synonymous variant.
Genome position (GRCh38, 1-based): chr3:49,531,741, T>C. VCF-style: chr3-49531741-T-C. GRCh37 (hg19) VCF-style: chr3-49569174-T-C.
Other names: c.1230T>C, p.Tyr410= (NM_001165928.4, NM_001177634.3, NM_001177635.3 and 9 more transcripts).
Identifiers: ClinVar variation 1631808 (VCV001631808.30), dbSNP rs374625327, ClinGen allele CA2399036.